The following is an entry in ClinVar:

ClinVar aggregate classification (germline): Likely benign (0 of 4 stars; one submission).

Conditions:
CPAMD8-related disorder. Also called: CPAMD8-related condition.

Allele frequency attached by ClinVar (database versions not stated): TOPMed 0.00008; gnomAD 0.00038; gnomAD exomes 0.00055; ExAC 0.00123; 1000 Genomes Project 30x 0.00156; 1000 Genomes Project 0.00200.
gnomAD v4.1: 884 of 1,613,486 alleles (0.055%); highest among the groups gnomAD compares: South Asian, 0.9%; 8 homozygotes.

Submission:

PreventionGenetics, part of Exact Sciences
Classification: Likely benign for CPAMD8-related condition. Last evaluated: 2019-02-22. Review status: no assertion criteria provided. Collection method: clinical testing. Allele origin: germline.
Comment: This variant is classified as likely benign based on ACMG/AMP sequence variant interpretation guidelines (Richards et al. 2015 PMID: 25741868, with internal and published modifications).

NM_015692.5(CPAMD8):c.2209C>G (p.Pro737Ala)

Gene: CPAMD8 (C3 and PZP like alpha-2-macroglobulin domain containing 8; minus strand). Cytogenetic location: 19p13.11.
Variant type: single nucleotide variant.
Coding change: c.2209C>G on transcript NM_015692.5 (MANE Select); coding-DNA position 2209, C replaced by G.
Protein change: p.Pro737Ala; replaces proline 737 with alanine.
Molecular consequence: missense variant. On other transcripts: non-coding transcript variant (1).
Genome position (GRCh38, 1-based): chr19:16,970,895, G>C on the plus strand (C>G on the coding strand, the complement: CPAMD8 is on the minus strand). VCF-style: chr19-16970895-G-C. GRCh37 (hg19) VCF-style: chr19-17081705-G-C.
Other names: short protein forms P737A.
Identifiers: ClinVar variation 3035800 (VCV003035800.2), dbSNP rs201935695, ClinGen allele CA9285399.